The following is an entry in ClinVar:

ClinVar aggregate classification (germline): Uncertain significance. Review status: criteria provided, multiple submitters, no conflicts (2 of 4 stars). 2 submissions from 2 submitters: Uncertain significance (2). Last evaluated 2025-03-07.

Conditions:
Sulfite oxidase deficiency due to molybdenum cofactor deficiency type C. Also called: Molybdenum cofactor deficiency, complementation group C; Molybdenum cofactor deficiency C. Identifiers: Orphanet 308400, Orphanet 833, MedGen C1854990, MONDO:0014212, OMIM 615501.
Inborn genetic diseases. Identifiers: MedGen C0950123, MeSH D030342.

Allele frequency attached by ClinVar (database versions not stated): ExAC 0.00002; gnomAD exomes 0.00001; gnomAD 0.00001; ESP Exome Variant Server 0.00008.
gnomAD v4.1: 18 of 1,611,184 alleles (0.0011%); highest among the groups gnomAD compares: East Asian, 0.011%; no homozygotes.

Submissions (2):

Ambry Genetics
Classification: Uncertain significance for Inborn genetic diseases. Last evaluated: 2025-03-07. Review status: criteria provided, single submitter. Criteria: Ambry Variant Classification Scheme 2023. Collection method: clinical testing. Allele origin: germline.

Labcorp Genetics (formerly Invitae), Labcorp
Classification: Uncertain significance for Sulfite oxidase deficiency due to molybdenum cofactor deficiency type C. Last evaluated: 2024-02-05. Review status: criteria provided, single submitter. Criteria: Invitae Variant Classification Sherloc (09022015). Collection method: clinical testing. Allele origin: germline.
Comment: This sequence change replaces arginine, which is basic and polar, with histidine, which is basic and polar, at codon 597 of the GPHN protein (p.Arg597His). This variant is present in population databases (rs143010421, gnomAD 0.006%). This variant has not been reported in the literature in individuals affected with GPHN-related conditions. ClinVar contains an entry for this variant (Variation ID: 1402114). Advanced modeling of protein sequence and biophysical properties (such as structural, functional, and spatial information, amino acid conservation, physicochemical variation, residue mobility, and thermodynamic stability) performed at Invitae indicates that this missense variant is not expected to disrupt GPHN protein function with a negative predictive value of 80%. In summary, the available evidence is currently insufficient to determine the role of this variant in disease. Therefore, it has been classified as a Variant of Uncertain Significance.

NM_020806.5(GPHN):c.1790G>A (p.Arg597His)

Gene: GPHN (gephyrin; plus strand). Cytogenetic location: 14q23.3.
Variant type: single nucleotide variant.
Coding change: c.1790G>A on transcript NM_020806.5 (MANE Select); coding-DNA position 1790, G replaced by A.
Protein change: p.Arg597His; replaces arginine 597 with histidine.
Molecular consequence: missense variant.
Genome position (GRCh38, 1-based): chr14:67,143,403, G>A. VCF-style: chr14-67143403-G-A. GRCh37 (hg19) VCF-style: chr14-67610120-G-A.
Other names: c.1691G>A, p.Arg564His (NM_001024218.2); c.1850G>A, p.Arg617His (NM_001377514.1); c.1820G>A, p.Arg607His (NM_001377515.1); c.1811G>A, p.Arg604His (NM_001377516.1); c.1763G>A, p.Arg588His (NM_001377517.1); c.1748G>A, p.Arg583His (NM_001377518.1); c.1730G>A, p.Arg577His (NM_001377519.1); c.1790G>A (NM_020806.4); short protein forms R604H, R577H, R564H, R583H, R607H, R588H, R597H, R617H.
Identifiers: ClinVar variation 1402114 (VCV001402114.7), dbSNP rs143010421, ClinGen allele CA7234179.